The following is an entry in ClinVar:

ClinVar aggregate classification (germline): Likely pathogenic (1 of 4 stars; one submission).

Conditions:
Primary familial dilated cardiomyopathy (FDC). Also called: Hypokinetic dilated cardiomyopathy, familial; Familial dilated cardiomyopathy. Identifiers: Orphanet 217607, MedGen C0340427, MONDO:0016333.

Submission:

Women's Health and Genetics/Laboratory Corporation of America, LabCorp
Classification: Likely pathogenic for Primary familial dilated cardiomyopathy. Last evaluated: 2025-11-10. Review status: criteria provided, single submitter. Criteria: LabCorp Variant Classification Summary - May 2015. Collection method: clinical testing. Allele origin: germline.
Comment: Variant summary: TTN NM_133378: c.80147G>A (p.Trp26716X), also known as NM_001267550: c.87851G>A (p. Trp29284X), results in a premature termination codon, predicted to cause a truncation of the encoded protein or absence of the protein due to nonsense mediated decay, which are commonly known mechanisms for disease. Loss of function variants in all TTN bands are strongly associated with a spectrum of autosomal recessive titinopathies when exon expression (proportion spliced in, PSI, 1=complete expression) in skeletal muscle is >0.1 (PMID: 36977548, 39198997, 29598826, 32778822, 29691892, 33449170, 36977548, internal data). In contrast, loss of function variants in all TTN bands are only strongly associated with autosomal dominant TTN-related cardiomyopathies if located in exons constitutively expressed (PSI >0.9) in cardiac muscle, excluding extreme C-terminal exons 359-363 (PMID: 25589632, 31216868, 32964742, 34662387, 27869827, Shetty et al., Nat Cardiovasc Res 2024,, internal data). This variant has a maximum skeletal muscle PSI of 0.948 and a maximum cardiac muscle PSI of 1.000. The variant was absent in 248844 control chromosomes. To our knowledge, no occurrence of c.80147G>A in individuals affected with TTN-related conditions and no experimental evidence demonstrating its impact on protein function have been reported. No submitters have cited clinical-significance assessments for this variant to ClinVar. Based on the evidence outlined above, the variant was classified as likely pathogenic for both autosomal dominant and autosomal recessive TTN-related conditions.

NM_001267550.2(TTN):c.87851G>A (p.Trp29284Ter)

Genes: TTN (titin; minus strand), TTN-AS1 (TTN antisense RNA 1; plus strand). Cytogenetic location: 2q31.2.
Variant type: single nucleotide variant.
Coding change: c.87851G>A on transcript NM_001267550.2 (MANE Select); coding-DNA position 87851, G replaced by A.
Protein change: p.Trp29284Ter; replaces tryptophan 29284 with a stop codon.
Molecular consequence: nonsense.
Genome position (GRCh38, 1-based): chr2:178,557,411, C>T on the plus strand (G>A on the coding strand, the complement: TTN is on the minus strand). VCF-style: chr2-178557411-C-T. GRCh37 (hg19) VCF-style: chr2-179422138-C-T.
Other names: c.82928G>A, p.Trp27643Ter (NM_001256850.1); c.60656G>A, p.Trp20219Ter (NM_003319.4); c.80147G>A, p.Trp26716Ter (NM_133378.4); c.61031G>A, p.Trp20344Ter (NM_133432.3); c.61232G>A, p.Trp20411Ter (NM_133437.4); short protein forms W20219*, W20344*, W20411*, W26716*, W27643*, W29284*.
Identifiers: ClinVar variation 4536910 (VCV004536910.1).